The following is an entry in ClinVar:

NM_004370.6(COL12A1):c.1425T>A (p.Asn475Lys)

Gene: COL12A1 (collagen type XII alpha 1 chain; minus strand). Cytogenetic location: 6q13.
Variant type: single nucleotide variant.
Coding change: c.1425T>A on transcript NM_004370.6 (MANE Select); coding-DNA position 1425, T replaced by A.
Protein change: p.Asn475Lys; replaces asparagine 475 with lysine.
Molecular consequence: missense variant. On other transcripts: intron variant (1).
Genome position (GRCh38, 1-based): chr6:75,183,516, A>T on the plus strand (T>A on the coding strand, the complement: COL12A1 is on the minus strand). VCF-style: chr6-75183516-A-T. GRCh37 (hg19) VCF-style: chr6-75893232-A-T.
Other names: c.73+19204T>A (NM_080645.3); short protein forms N475K.
Identifiers: ClinVar variation 2004196 (VCV002004196.4), dbSNP rs2533568188, ClinGen allele CA364770553.

ClinVar aggregate classification (germline): Uncertain significance (1 of 4 stars; one submission).

Conditions:
Ullrich congenital muscular dystrophy 2 (UCMD2). Identifiers: Orphanet 75840, MedGen C4225314, MONDO:0014654, OMIM 616470.
Bethlem myopathy 2 (BTHLM2). Identifiers: Orphanet 536516, Orphanet 610, MedGen C4225313, MONDO:0034022, OMIM 616471.

Submission:

Labcorp Genetics (formerly Invitae), Labcorp
Classification: Uncertain significance for Bethlem myopathy 2; Ullrich congenital muscular dystrophy 2. Last evaluated: 2022-06-10. Review status: criteria provided, single submitter. Criteria: Invitae Variant Classification Sherloc (09022015). Collection method: clinical testing. Allele origin: germline.
Comment: In summary, the available evidence is currently insufficient to determine the role of this variant in disease. Therefore, it has been classified as a Variant of Uncertain Significance. Algorithms developed to predict the effect of missense changes on protein structure and function (SIFT, PolyPhen-2, Align-GVGD) all suggest that this variant is likely to be tolerated. This variant has not been reported in the literature in individuals affected with COL12A1-related conditions. This variant is not present in population databases (gnomAD no frequency). This sequence change replaces asparagine, which is neutral and polar, with lysine, which is basic and polar, at codon 475 of the COL12A1 protein (p.Asn475Lys).